The following is an entry in ClinVar:

ClinVar aggregate classification (germline): Pathogenic (1 of 4 stars; one submission).

Conditions:
Nemaline myopathy 2 (NEM2). Also called: Nemaline myopathy 2, autosomal recessive. Identifiers: MedGen C1850569, MONDO:0009725, OMIM 256030.

Submission:

Labcorp Genetics (formerly Invitae), Labcorp
Classification: Pathogenic for Nemaline myopathy 2. Last evaluated: 2022-08-03. Review status: criteria provided, single submitter. Criteria: Invitae Variant Classification Sherloc (09022015). Collection method: clinical testing. Allele origin: germline.
Comment: For these reasons, this variant has been classified as Pathogenic. This sequence change creates a premature translational stop signal (p.Asn3481*) in the NEB gene. It is expected to result in an absent or disrupted protein product. Loss-of-function variants in NEB are known to be pathogenic (PMID: 25205138). This variant is not present in population databases (gnomAD no frequency). This variant has not been reported in the literature in individuals affected with NEB-related conditions.

Literature cited by the submitters: PubMed 25205138.

NM_001164508.2(NEB):c.10441_10445del (p.Ile3480_Asn3481insTer)

Gene: NEB (nebulin; minus strand). Cytogenetic location: 2q23.3.
Variant type: Deletion.
Coding change: c.10441_10445del on transcript NM_001164508.2 (MANE Select); coding-DNA positions 10441 to 10445, 5 bases deleted (AATTA; older notation c.10441_10445delAATTA).
Protein change: p.Ile3480_Asn3481insTer.
Molecular consequence: nonsense.
Genome position (GRCh38, 1-based): chr2:151,625,541-151,625,545, TAATT deleted on the plus strand (AATTA on the coding strand, the reverse complement: NEB is on the minus strand); deleting any 5 consecutive bases within chr2:151,625,541-151,625,547 gives the same sequence; the c. name uses the placement nearest the transcript's 3' end. VCF-style (leftmost placement, unchanged base first): chr2-151625540-ATAATT-A. GRCh37 (hg19) VCF-style: chr2-152482054-ATAATT-A.
Other names: c.10441_10445del, p.Ile3480_Asn3481insTer (NM_001164507.2, NM_001271208.2); c.9712_9716del, p.Ile3237_Asn3238insTer (NM_004543.5).
Identifiers: ClinVar variation 1944743 (VCV001944743.5), dbSNP rs2552235365, ClinGen allele CA2580063996.
Genomic context (GRCh38, chr2:151,625,540, plus strand): 5'-ACATCGGCAACAATCAATGTGGCCAGACCAAAGAAATAAAACAAATGATCTTACCTCACT[ATAATT>A]TATTTTATTTTGTCTTGCCAACATGATTTCAGGTGTATCAGGCATAATATGGACTTGGGT-3'